The following is an entry in ClinVar:

ClinVar aggregate classification (germline): Likely benign. Review status: criteria provided, multiple submitters, no conflicts (2 of 4 stars). 2 submissions from 2 submitters: Likely benign (2). Last evaluated 2023-10-10.

Conditions:
Autosomal dominant nocturnal frontal lobe epilepsy 5. Also called: Epilepsy, nocturnal frontal lobe, 5; KCNT1-Related Epilepsy; CILIARY DYSKINESIA, PRIMARY, 28, WITHOUT SITUS INVERSUS; CILIARY DYSKINESIA, PRIMARY, 28, WITH SITUS INVERSUS. Identifiers: Orphanet 98784, MedGen C3554306, MONDO:0014002, OMIM 615005.
Developmental and epileptic encephalopathy, 14 (DEE14). Also called: Early infantile epileptic encephalopathy 14. Identifiers: Orphanet 293181, MedGen C3554195, MONDO:0013989, OMIM 614959.

Allele frequency attached by ClinVar (database versions not stated): gnomAD exomes below 0.00001; TOPMed 0.00002.
gnomAD v4.1: 3 of 1,550,238 alleles (0.00019%); highest among the groups gnomAD compares: Non-Finnish European, 0.00017%; no homozygotes.

Submissions (2):

Labcorp Genetics (formerly Invitae), Labcorp
Classification: Likely benign for Autosomal dominant nocturnal frontal lobe epilepsy 5; Developmental and epileptic encephalopathy, 14. Last evaluated: 2023-10-10. Review status: criteria provided, single submitter. Criteria: Invitae Variant Classification Sherloc (09022015). Collection method: clinical testing. Allele origin: germline.

GeneDx
Classification: Likely benign. Last evaluated: 2018-05-23. Review status: criteria provided, single submitter. Criteria: GeneDx Variant Classification (06012015). Collection method: clinical testing. Allele origin: germline. Affected: yes.
Comment: This variant is considered likely benign or benign based on one or more of the following criteria: it is a conservative change, it occurs at a poorly conserved position in the protein, it is predicted to be benign by multiple in silico algorithms, and/or has population frequency not consistent with disease.

NM_020822.3(KCNT1):c.1770-20T>C

Gene: KCNT1 (potassium sodium-activated channel subfamily T member 1; plus strand). Cytogenetic location: 9q34.3.
Variant type: single nucleotide variant.
Coding change: c.1770-20T>C on transcript NM_020822.3 (MANE Select); 20 bases into the intron before coding-DNA position 1770, T replaced by C.
Molecular consequence: intron variant.
Genome position (GRCh38, 1-based): chr9:135,770,837, T>C. VCF-style: chr9-135770837-T-C. GRCh37 (hg19) VCF-style: chr9-138662683-T-C.
Other names: c.1635-20T>C (NM_001272003.2).
Identifiers: ClinVar variation 668532 (VCV000668532.6), dbSNP rs1239661382, ClinGen allele CA467820704.